The following is an entry in ClinVar:

NM_003036.4(SKI):c.1996C>G (p.Gln666Glu)

Gene: SKI (SKI proto-oncogene; plus strand). Cytogenetic location: 1p36.32.
Variant type: single nucleotide variant.
Coding change: c.1996C>G on transcript NM_003036.4 (MANE Select); coding-DNA position 1996, C replaced by G.
Protein change: p.Gln666Glu; replaces glutamine 666 with glutamic acid.
Molecular consequence: missense variant.
Genome position (GRCh38, 1-based): chr1:2,306,248, C>G. VCF-style: chr1-2306248-C-G. GRCh37 (hg19) VCF-style: chr1-2237687-C-G.
Other names: short protein forms Q666E.
Identifiers: ClinVar variation 1784054 (VCV001784054.3), dbSNP rs1355489950, ClinGen allele CA337959425.

ClinVar aggregate classification (germline): Uncertain significance (1 of 4 stars; one submission).

Conditions:
Familial thoracic aortic aneurysm and aortic dissection (TAAD). Also called: Thoracic aortic aneurysms and dissections. Identifiers: Orphanet 91387, MedGen C4707243, MONDO:0019625.

Allele frequency attached by ClinVar (database versions not stated): gnomAD 0.00001; TOPMed 0.00002; gnomAD exomes 0.00003.
gnomAD v4.1: 46 of 1,551,476 alleles (0.003%); highest among the groups gnomAD compares: Non-Finnish European, 0.0039%; no homozygotes.

Submission:

Ambry Genetics
Classification: Uncertain significance for Familial thoracic aortic aneurysm and aortic dissection. Last evaluated: 2024-09-17. Review status: criteria provided, single submitter. Criteria: Ambry Variant Classification Scheme 2023. Collection method: clinical testing. Allele origin: germline.
Comment: The p.Q666E variant (also known as c.1996C>G), located in coding exon 6 of the SKI gene, results from a C to G substitution at nucleotide position 1996. The glutamine at codon 666 is replaced by glutamic acid, an amino acid with highly similar properties. This amino acid position is conserved. In addition, this alteration is predicted to be deleterious by in silico analysis. Since supporting evidence is limited at this time, the clinical significance of this alteration remains unclear.